The following is an entry in ClinVar:

NM_003482.4(KMT2D):c.3926C>T (p.Pro1309Leu)

Genes: KMT2D (lysine methyltransferase 2D; minus strand), LOC126861520 (CDK7 strongly-dependent group 2 enhancer GRCh37_chr12:49442744-49443943; plus strand). Cytogenetic location: 12q13.12.
Variant type: single nucleotide variant.
Coding change: c.3926C>T on transcript NM_003482.4 (MANE Select); coding-DNA position 3926, C replaced by T.
Protein change: p.Pro1309Leu; replaces proline 1309 with leucine.
Molecular consequence: missense variant.
Genome position (GRCh38, 1-based): chr12:49,049,199, G>A on the plus strand (C>T on the coding strand, the complement: KMT2D is on the minus strand). VCF-style: chr12-49049199-G-A. GRCh37 (hg19) VCF-style: chr12-49442982-G-A.
Other names: short protein forms P1309L.
Identifiers: ClinVar variation 1905855 (VCV001905855.6), dbSNP rs868758414, ClinGen allele CA236615826.
Genomic context (GRCh38, chr12:49,049,199, plus strand): 5'-AGCCGGGCCCGTCCTCTACCACGTCCTCCATGGGCTCCTCCACGAGGCCGGCGTCTTCCT[G>A]GGAAACTGCTGCTGCGACCCTGAGTGAAAGAAGGGGACAATGACAGGAGCATGTCAAGGG-3'
Protein context (NP_003473.3, residues 1299-1319): RIKQGRSSSF[Pro1309Leu]GRRRPRGGAH

ClinVar aggregate classification (germline): Uncertain significance. Review status: criteria provided, multiple submitters, no conflicts (2 of 4 stars). 2 submissions from 2 submitters: Uncertain significance (2). Last evaluated 2024-10-21.

Conditions:
KMT2D-related disorder. Also called: KMT2D-Related Disorders.
Kabuki syndrome. Also called: Kabuki make-up syndrome; NIIKAWA-KUROKI SYNDROME. Identifiers: Orphanet 2322, MedGen C0796004, MONDO:0016512.

Allele frequency attached by ClinVar (database versions not stated): gnomAD exomes 0.00002.
gnomAD v4.1: 13 of 1,605,364 alleles (0.00081%); highest among the groups gnomAD compares: Middle Eastern, 0.22%; no homozygotes.

Submissions (2):

Labcorp Genetics (formerly Invitae), Labcorp
Classification: Uncertain significance for Kabuki syndrome. Last evaluated: 2024-10-21. Review status: criteria provided, single submitter. Criteria: Invitae Variant Classification Sherloc (09022015). Collection method: clinical testing. Allele origin: germline.
Comment: This sequence change replaces proline, which is neutral and non-polar, with leucine, which is neutral and non-polar, at codon 1309 of the KMT2D protein (p.Pro1309Leu). This variant is not present in population databases (gnomAD no frequency). This variant has not been reported in the literature in individuals affected with KMT2D-related conditions. ClinVar contains an entry for this variant (Variation ID: 1905855). Invitae Evidence Modeling of protein sequence and biophysical properties (such as structural, functional, and spatial information, amino acid conservation, physicochemical variation, residue mobility, and thermodynamic stability) indicates that this missense variant is expected to disrupt KMT2D protein function with a positive predictive value of 95%. In summary, the available evidence is currently insufficient to determine the role of this variant in disease. Therefore, it has been classified as a Variant of Uncertain Significance.

PreventionGenetics, part of Exact Sciences
Classification: Uncertain significance for KMT2D-related condition. Last evaluated: 2022-11-22. Review status: criteria provided, single submitter. Criteria: ACMG Guidelines, 2015. Collection method: clinical testing. Allele origin: germline.
Comment: The KMT2D c.3926C>T variant is predicted to result in the amino acid substitution p.Pro1309Leu. To our knowledge, this variant has not been reported in the literature or in a large population database, indicating this variant is rare. At this time, the clinical significance of this variant is uncertain due to the absence of conclusive functional and genetic evidence.